The following is an entry in ClinVar:

NM_004260.4(RECQL4):c.2473C>A (p.Leu825Met)

Gene: RECQL4 (RecQ like helicase 4; minus strand). Cytogenetic location: 8q24.3.
Variant type: single nucleotide variant.
Coding change: c.2473C>A on transcript NM_004260.4 (MANE Select); coding-DNA position 2473, C replaced by A.
Protein change: p.Leu825Met; replaces leucine 825 with methionine.
Molecular consequence: missense variant. On other transcripts: non-coding transcript variant (3).
Genome position (GRCh38, 1-based): chr8:144,513,129, G>T on the plus strand (C>A on the coding strand, the complement: RECQL4 is on the minus strand). VCF-style: chr8-144513129-G-T. GRCh37 (hg19) VCF-style: chr8-145738512-G-T.
Other names: c.1270C>A, p.Leu424Met (NM_001413037.1); c.1204C>A, p.Leu402Met (NM_001413038.1, NM_001413031.1); c.2443C>A, p.Leu815Met (NM_001413039.1); c.1402C>A, p.Leu468Met (NM_001413040.1, NM_001413034.1, NM_001413035.1 and 5 more transcripts); c.1336C>A, p.Leu446Met (NM_001413041.1, NM_001413032.1, NM_001413027.1 and 1 more transcripts); c.1372C>A, p.Leu458Met (NM_001413042.1); c.1006C>A, p.Leu336Met (NM_001413043.1); c.2341C>A, p.Leu781Met (NM_001413033.1); and 6 more; short protein forms L336M, L402M, L424M, L446M, L458M, L468M, L708M, L727M.
Identifiers: ClinVar variation 4863220 (VCV004863220.1).

ClinVar aggregate classification (germline): Uncertain significance (1 of 4 stars; one submission).

Conditions:
Inborn genetic diseases. Identifiers: MedGen C0950123, MeSH D030342.

Submission:

Ambry Genetics
Classification: Uncertain significance for Inborn genetic diseases. Last evaluated: 2026-06-14. Review status: criteria provided, single submitter. Criteria: Ambry Variant Classification Scheme 2023. Collection method: clinical testing. Allele origin: germline.
Comment: The p.L825M variant (also known as c.2473C>A), located in coding exon 15 of the RECQL4 gene, results from a C to A substitution at nucleotide position 2473. The leucine at codon 825 is replaced by methionine, an amino acid with highly similar properties. This amino acid position is conserved. In addition, the in silico prediction for this alteration is inconclusive. Based on the available evidence, the clinical significance of this variant remains unclear.